The following is an entry in ClinVar:

ClinVar aggregate classification (germline): Uncertain significance (1 of 4 stars; one submission).

Conditions:
Inborn genetic diseases. Identifiers: MedGen C0950123, MeSH D030342.

Submission:

Ambry Genetics
Classification: Uncertain significance for Inborn genetic diseases. Last evaluated: 2025-08-30. Review status: criteria provided, single submitter. Criteria: Ambry Variant Classification Scheme 2023. Collection method: clinical testing. Allele origin: germline.
Comment: The p.L186I variant (also known as c.556C>A), located in coding exon 5 of the RECQL4 gene, results from a C to A substitution at nucleotide position 556. The leucine at codon 186 is replaced by isoleucine, an amino acid with highly similar properties. This amino acid position is conserved. In addition, this alteration is predicted to be tolerated by in silico analysis. Based on the available evidence, the clinical significance of this variant remains unclear.

NM_004260.4(RECQL4):c.556C>A (p.Leu186Ile)

Gene: RECQL4 (RecQ like helicase 4; minus strand). Cytogenetic location: 8q24.3.
Variant type: single nucleotide variant.
Coding change: c.556C>A on transcript NM_004260.4 (MANE Select); coding-DNA position 556, C replaced by A.
Protein change: p.Leu186Ile; replaces leucine 186 with isoleucine.
Molecular consequence: missense variant. On other transcripts: 5 prime UTR variant (15), non-coding transcript variant (3), intron variant (3).
Genome position (GRCh38, 1-based): chr8:144,516,563, G>T on the plus strand (C>A on the coding strand, the complement: RECQL4 is on the minus strand). VCF-style: chr8-144516563-G-T. GRCh37 (hg19) VCF-style: chr8-145741947-G-T.
Other names: c.556C>A, p.Leu186Ile (NM_001413017.1, NM_001413018.1, NM_001413019.1 and 4 more transcripts); c.-516C>A (NM_001413022.1, NM_001413023.1, NM_001413024.1 and 5 more transcripts); c.427C>A, p.Leu143Ile (NM_001413025.1); c.-578C>A (NM_001413027.1, NM_001413030.1, NM_001413031.1 and 2 more transcripts); c.-420C>A (NM_001413034.1); c.-785C>A (NM_001413043.1); c.355-150C>A (NM_001413029.1); c.-366-150C>A (NM_001413021.1); and 1 more; short protein forms L186I, L143I.
Identifiers: ClinVar variation 4152433 (VCV004152433.1).